The following is an entry in ClinVar:

ClinVar aggregate classification (germline): Uncertain significance (1 of 4 stars; one submission).

Conditions:
Malignant hyperthermia, susceptibility to, 1 (MHS1). Also called: Anesthesia related hyperthermia; Malignant hyperpyrexia; Fulminating hyperpyrexia; Pharmacogenic myopathy; RYR1-Related Malignant Hyperthermia Susceptibility; Malignant hyperthermia suceptibility 1. Identifiers: Orphanet 423, MedGen C2930980, MONDO:0007783, OMIM 145600.

Allele frequency attached by ClinVar (database versions not stated): gnomAD exomes below 0.00001; ExAC 0.00001.
gnomAD v4.1: 1 of 1,613,788 alleles (0.000062%); highest among the groups gnomAD compares: Non-Finnish European, 0.000085%; no homozygotes.

Submission:

All of Us Research Program, National Institutes of Health
Classification: Uncertain significance for Malignant hyperthermia, susceptibility to, 1. Last evaluated: 2023-05-16. Review status: criteria provided, single submitter. Criteria: ACMG Guidelines, 2015. Collection method: clinical testing. Allele origin: germline. Inheritance: Autosomal dominant inheritance. Observed: 1 variant allele, 1 heterozygote.
Comment: This missense variant replaces leucine with phenylalanine at codon 1746 of the RYR1 protein. Computational prediction suggests that this variant may not impact protein structure and function (internally defined REVEL score threshold <= 0.5, PMID: 27666373). To our knowledge, functional studies have not been reported for this variant. This variant has not been reported in individuals affected with RYR1-related disorders in the literature. This variant has been identified in 1/245450 chromosomes in the general population by the Genome Aggregation Database (gnomAD). The available evidence is insufficient to determine the role of this variant in disease conclusively. Therefore, this variant is classified as a Variant of Uncertain Significance.

This study involves interpretation of variants in research participants for the purpose of population health screening. Participant phenotype was not available at the time of variant classification. Additional details can be found in publication PMID: 35346344, PMCID: PMC8962531

NM_000540.3(RYR1):c.5236C>T (p.Leu1746Phe)

Gene: RYR1 (ryanodine receptor 1; plus strand). Cytogenetic location: 19q13.2.
Variant type: single nucleotide variant.
Coding change: c.5236C>T on transcript NM_000540.3 (MANE Select); coding-DNA position 5236, C replaced by T.
Protein change: p.Leu1746Phe; replaces leucine 1746 with phenylalanine.
Molecular consequence: missense variant.
Genome position (GRCh38, 1-based): chr19:38,485,891, C>T. VCF-style: chr19-38485891-C-T. GRCh37 (hg19) VCF-style: chr19-38976531-C-T.
Other names: c.5236C>T, p.Leu1746Phe (NM_001042723.2); short protein forms L1746F.
Identifiers: ClinVar variation 3071100 (VCV003071100.1), dbSNP rs776001584, ClinGen allele CA066793.